The following is an entry in ClinVar:

NM_000179.3(MSH6):c.38A>T (p.Lys13Met)

Gene: MSH6 (mutS homolog 6; plus strand). Cytogenetic location: 2p16.3.
Variant type: single nucleotide variant.
Coding change: c.38A>T on transcript NM_000179.3 (MANE Select); coding-DNA position 38, A replaced by T.
Protein change: p.Lys13Met; replaces lysine 13 with methionine.
Molecular consequence: missense variant. On other transcripts: 5 prime UTR variant (1).
Genome position (GRCh38, 1-based): chr2:47,783,271, A>T. VCF-style: chr2-47783271-A-T. GRCh37 (hg19) VCF-style: chr2-48010410-A-T.
Other names: c.38A>T, p.Lys13Met (NM_001281492.2); c.-699A>T (NM_001281493.2); short protein forms K13M.
Identifiers: ClinVar variation 455305 (VCV000455305.16), dbSNP rs41294988, ClinGen allele CA346734528.
Genomic context (GRCh38, chr2:47,783,271, plus strand): 5'-GTTGGGCCTTGCCGGCTGTCGGTATGTCGCGACAGAGCACCCTGTACAGCTTCTTCCCCA[A>T]GTCTCCGGCGCTGAGTGATGCCAACAAGGCCTCGGCCAGGGCCTCACGCGAAGGCGGCCG-3'
Protein context (NP_000170.1, residues 3-23): RQSTLYSFFP[Lys13Met]SPALSDANKA

ClinVar aggregate classification (germline): Uncertain significance. Review status: criteria provided, multiple submitters, no conflicts (2 of 4 stars). 2 submissions from 2 submitters: Uncertain significance (2). Last evaluated 2025-08-12.

Conditions:
Hereditary nonpolyposis colorectal neoplasms. Identifiers: MedGen C0009405, MeSH D003123.
Hereditary cancer-predisposing syndrome. Also called: Hereditary Cancer Syndrome; Hereditary neoplastic syndrome; Neoplastic Syndromes, Hereditary; Tumor predisposition. Identifiers: Orphanet 140162, MedGen C0027672, MeSH D009386, MONDO:0015356.

Submissions (2):

Ambry Genetics
Classification: Uncertain significance for Hereditary cancer-predisposing syndrome. Last evaluated: 2025-08-12. Review status: criteria provided, single submitter. Criteria: Ambry Variant Classification Scheme 2023. Collection method: clinical testing. Allele origin: germline.
Comment: The p.K13M variant (also known as c.38A>T), located in coding exon 1 of the MSH6 gene, results from an A to T substitution at nucleotide position 38. The lysine at codon 13 is replaced by methionine, an amino acid with similar properties. This amino acid position is highly conserved in available vertebrate species. In addition, the in silico prediction for this alteration is inconclusive. Based on the available evidence, the clinical significance of this variant remains unclear.

Labcorp Genetics (formerly Invitae), Labcorp
Classification: Uncertain significance for Hereditary nonpolyposis colorectal neoplasms. Last evaluated: 2023-05-02. Review status: criteria provided, single submitter. Criteria: Invitae Variant Classification Sherloc (09022015). Collection method: clinical testing. Allele origin: germline.
Comment: This variant has not been reported in the literature in individuals affected with MSH6-related conditions. In summary, the available evidence is currently insufficient to determine the role of this variant in disease. Therefore, it has been classified as a Variant of Uncertain Significance. Advanced modeling of protein sequence and biophysical properties (such as structural, functional, and spatial information, amino acid conservation, physicochemical variation, residue mobility, and thermodynamic stability) has been performed at Invitae for this missense variant, however the output from this modeling did not meet the statistical confidence thresholds required to predict the impact of this variant on MSH6 protein function. ClinVar contains an entry for this variant (Variation ID: 455305). This variant is not present in population databases (gnomAD no frequency). This sequence change replaces lysine, which is basic and polar, with methionine, which is neutral and non-polar, at codon 13 of the MSH6 protein (p.Lys13Met).